The following is an entry in ClinVar:

ClinVar aggregate classification (germline): Conflicting classifications of pathogenicity. Review status: criteria provided, conflicting classifications (1 of 4 stars). 4 submissions from 4 submitters: Uncertain significance (3); Likely benign (1). Last evaluated 2025-07-29.

Conditions:
Gorlin syndrome. Also called: Basal cell nevus syndrome; Nevoid Basal Cell Carcinoma Syndrome. Identifiers: Orphanet 377, MedGen C0004779, MONDO:0007187.
Hereditary cancer-predisposing syndrome. Also called: Tumor predisposition; Neoplastic Syndromes, Hereditary; Hereditary Cancer Syndrome; Hereditary neoplastic syndrome. Identifiers: Orphanet 140162, MedGen C0027672, MeSH D009386, MONDO:0015356.
Basal cell carcinoma, susceptibility to, 1. Also called: BCC1. Identifiers: MedGen C2751544, MONDO:0011556, OMIM 605462.

Allele frequency attached by ClinVar (database versions not stated): gnomAD exomes below 0.00001; TOPMed below 0.00001.
gnomAD v4.1: 5 of 1,611,578 alleles (0.00031%); highest among the groups gnomAD compares: Non-Finnish European, 0.00042%; no homozygotes.

Submissions (4):

Labcorp Genetics (formerly Invitae), Labcorp
Classification: Likely benign for Gorlin syndrome. Last evaluated: 2025-07-29. Review status: criteria provided, single submitter. Criteria: Invitae Variant Classification Sherloc (09022015). Collection method: clinical testing. Allele origin: germline.

Ambry Genetics
Classification: Uncertain significance for Hereditary cancer-predisposing syndrome. Last evaluated: 2023-12-26. Review status: criteria provided, single submitter. Criteria: Ambry Variant Classification Scheme 2023. Collection method: clinical testing. Allele origin: germline.
Comment: The p.G1340D variant (also known as c.4019G>A), located in coding exon 23 of the PTCH1 gene, results from a G to A substitution at nucleotide position 4019. The glycine at codon 1340 is replaced by aspartic acid, an amino acid with similar properties. This amino acid position is not well conserved in available vertebrate species. In addition, the in silico prediction for this alteration is inconclusive. Since supporting evidence is limited at this time, the clinical significance of this alteration remains unclear.

Baylor Genetics
Classification: Uncertain significance for Basal cell carcinoma, susceptibility to, 1. Last evaluated: 2023-08-15. Review status: criteria provided, single submitter. Criteria: ACMG Guidelines, 2015. Collection method: clinical testing. Allele origin: unknown.

GeneDx
Classification: Uncertain significance. Last evaluated: 2023-01-18. Review status: criteria provided, single submitter. Criteria: GeneDx Variant Classification Process June 2021. Collection method: clinical testing. Allele origin: germline. Affected: yes.
Comment: Not observed at significant frequency in large population cohorts (gnomAD); In silico analysis supports that this missense variant does not alter protein structure/function; Has not been previously published as pathogenic or benign to our knowledge

NM_000264.5(PTCH1):c.4019G>A (p.Gly1340Asp)

Gene: PTCH1 (patched 1; minus strand). Cytogenetic location: 9q22.32.
Variant type: single nucleotide variant.
Coding change: c.4019G>A on transcript NM_000264.5 (MANE Select); coding-DNA position 4019, G replaced by A.
Protein change: p.Gly1340Asp; replaces glycine 1340 with aspartic acid.
Molecular consequence: missense variant. On other transcripts: non-coding transcript variant (1).
Genome position (GRCh38, 1-based): chr9:95,447,237, C>T on the plus strand (G>A on the coding strand, the complement: PTCH1 is on the minus strand). VCF-style: chr9-95447237-C-T. GRCh37 (hg19) VCF-style: chr9-98209519-C-T.
Other names: c.3821G>A, p.Gly1274Asp (NM_001083602.3); c.4016G>A, p.Gly1339Asp (NM_001083603.3); c.3566G>A, p.Gly1189Asp (NM_001083604.3, NM_001083605.3, NM_001083606.3 and 1 more transcripts); c.3863G>A, p.Gly1288Asp (NM_001354918.2); short protein forms G1189D, G1274D, G1288D, G1339D, G1340D.
Identifiers: ClinVar variation 1057783 (VCV001057783.13), dbSNP rs1218728112, ClinGen allele CA374110462.